The following is an entry in ClinVar:

NM_001348716.2(KDM6B):c.4896C>A (p.Asp1632Glu)

Gene: KDM6B (lysine demethylase 6B; plus strand). Cytogenetic location: 17p13.1.
Variant type: single nucleotide variant.
Coding change: c.4896C>A on transcript NM_001348716.2 (MANE Select); coding-DNA position 4896, C replaced by A.
Protein change: p.Asp1632Glu; replaces aspartic acid 1632 with glutamic acid.
Molecular consequence: missense variant.
Genome position (GRCh38, 1-based): chr17:7,853,368, C>A. VCF-style: chr17-7853368-C-A. GRCh37 (hg19) VCF-style: chr17-7756686-C-A.
Other names: c.4896C>A, p.Asp1632Glu (NM_001080424.2); short protein forms D1632E.
Identifiers: ClinVar variation 4529954 (VCV004529954.1).

ClinVar aggregate classification (germline): Uncertain significance (1 of 4 stars; one submission).

Submission:

GeneDx
Classification: Uncertain significance. Last evaluated: 2025-05-12. Review status: criteria provided, single submitter. Criteria: GeneDx Variant Classification Process June 2021. Collection method: clinical testing. Allele origin: germline. Affected: yes.
Comment: Not observed at significant frequency in large population cohorts (gnomAD); In silico analysis supports that this missense variant has a deleterious effect on protein structure/function; Has not been previously published as pathogenic or benign to our knowledge